The following is an entry in ClinVar:

NM_000718.4(CACNA1B):c.41dup (p.Gly16fs)

Genes: CACNA1B (calcium voltage-gated channel subunit alpha1 B; plus strand), CACNA1B-AS2 (CACNA1B antisense RNA 2; minus strand). Cytogenetic location: 9q34.3.
Variant type: Duplication.
Coding change: c.41dup on transcript NM_000718.4 (MANE Select); coding-DNA position 41, one base duplicated (G; older notation c.41dupG).
Protein change: p.Gly16fs; shifts the reading frame from glycine 16.
Molecular consequence: frameshift variant.
Genome position (GRCh38, 1-based): chr9:137,877,974, G duplicated; the last of 5 consecutive G bases (chr9:137,877,970-137,877,974); duplicating any one gives the same sequence. VCF-style (leftmost placement, unchanged base first): chr9-137877969-T-TG. GRCh37 (hg19) VCF-style: chr9-140772421-T-TG.
Other names: c.41dup, p.Gly16fs (NM_001243812.2); c.41dupG (NM_000718.4); short protein forms G16fs.
Identifiers: ClinVar variation 4850476 (VCV004850476.1).

ClinVar aggregate classification (germline): Likely pathogenic (1 of 4 stars; one submission).

Conditions:
Neurodevelopmental disorder with seizures and nonepileptic hyperkinetic movements. Identifiers: MedGen C5193128, MONDO:0032784, OMIM 618497.

Submission:

First Genomix Gene Laboratory, Genetic Diagnostics Department
Classification: Likely pathogenic for Neurodevelopmental disorder with seizures and nonepileptic hyperkinetic movements. Last evaluated: 2025-08-22. Review status: criteria provided, single submitter. Criteria: ACMG Guidelines, 2015. Collection method: clinical testing. Allele origin: germline. Inheritance: Autosomal recessive inheritance. Affected: no. Observed: 1 variant allele.